The following is an entry in ClinVar:

ClinVar aggregate classification (germline): Pathogenic (1 of 4 stars; one submission).

Conditions:
Duchenne muscular dystrophy (DMD). Also called: MUSCULAR DYSTROPHY, PSEUDOHYPERTROPHIC PROGRESSIVE, DUCHENNE TYPE; Duchenne Muscular Dystrophy (DMD). Identifiers: Orphanet 98896, MedGen C0013264, MONDO:0010679, OMIM 310200.

Submission:

Labcorp Genetics (formerly Invitae), Labcorp
Classification: Pathogenic for Duchenne muscular dystrophy. Last evaluated: 2024-01-04. Review status: criteria provided, single submitter. Criteria: Invitae Variant Classification Sherloc (09022015). Collection method: clinical testing. Allele origin: germline.
Comment: This variant is a gross deletion of the genomic region encompassing exon(s) 3-9 of the DMD gene. This variant would be expected to be in-frame, preserving the integrity of the reading frame. A similar copy number variant has been observed in individuals with Becker muscular dystrophy and asymptomatic male individuals with elevated creatine kinase (CK) (PMID: 19073314, 24835530, 25482253, 27009627, 31705731; Invitae). For these reasons, this variant has been classified as Pathogenic.

Literature cited by the submitters: PubMed 19073314; PubMed 24835530; PubMed 25482253; PubMed 27009627; PubMed 31705731.

NC_000023.11:g.(?_32697850)_(32849840_?)del

Gene: DMD (dystrophin; minus strand). Cytogenetic location: Xp21.1.
Variant type: Deletion.
Identifiers: ClinVar variation 583835 (VCV000583835.7).